The following is an entry in ClinVar:

NM_001388308.1(KIF12):c.929G>A (p.Arg310Gln)

Gene: KIF12 (kinesin family member 12; minus strand). Cytogenetic location: 9q32.
Variant type: single nucleotide variant.
Coding change: c.929G>A on transcript NM_001388308.1 (MANE Select); coding-DNA position 929, G replaced by A.
Protein change: p.Arg310Gln; replaces arginine 310 with glutamine.
Molecular consequence: missense variant.
Genome position (GRCh38, 1-based): chr9:114,095,299, C>T on the plus strand (G>A on the coding strand, the complement: KIF12 is on the minus strand). VCF-style: chr9-114095299-C-T. GRCh37 (hg19) VCF-style: chr9-116857579-C-T.
Other names: c.515G>A, p.Arg172Gln (NM_138424.2); short protein forms R310Q, R172Q.
Identifiers: ClinVar variation 2969072 (VCV002969072.3), dbSNP rs200951178, ClinGen allele CA5200699.
Genomic context (GRCh38, chr9:114,095,299, plus strand): 5'-AGTGAGTCTGCCAGCAACTTGGTGAGCTTGCTGTCCCGGAAAGGGATGTGGCTCTGCTTC[C>T]GCTGTGGGTCCAGCAGCAGGGAGATGCAGTGACCTGGGGAGGGAGAGCAAGAGTTAGGAA-3'
Protein context (NP_001375237.1, residues 300-320): HCISLLLDPQ[Arg310Gln]KQSHIPFRDS

ClinVar aggregate classification (germline): Uncertain significance (1 of 4 stars; one submission).

Allele frequency attached by ClinVar (database versions not stated): TOPMed 0.00001; gnomAD 0.00003; gnomAD exomes 0.00003; ExAC 0.00006; 1000 Genomes Project 0.00040; 1000 Genomes Project 30x 0.00047.

Submission:

Labcorp Genetics (formerly Invitae), Labcorp
Classification: Uncertain significance. Last evaluated: 2024-08-05. Review status: criteria provided, single submitter. Criteria: Invitae Variant Classification Sherloc (09022015). Collection method: clinical testing. Allele origin: germline.
Comment: This sequence change replaces arginine, which is basic and polar, with glutamine, which is neutral and polar, at codon 172 of the KIF12 protein (p.Arg172Gln). This variant is present in population databases (rs200951178, gnomAD 0.009%). This variant has not been reported in the literature in individuals affected with KIF12-related conditions. An algorithm developed to predict the effect of missense changes on protein structure and function outputs the following: PolyPhen-2: "Possibly Damaging". The glutamine amino acid residue is found in multiple mammalian species, which suggests that this missense change does not adversely affect protein function. In summary, the available evidence is currently insufficient to determine the role of this variant in disease. Therefore, it has been classified as a Variant of Uncertain Significance.